The following is an entry in ClinVar:

ClinVar aggregate classification (germline): Uncertain significance (1 of 4 stars; one submission).

Conditions:
Tuberous sclerosis 1 (TSC1). Identifiers: Orphanet 805, MedGen C1854465, MONDO:0008612, OMIM 191100.

Submission:

Labcorp Genetics (formerly Invitae), Labcorp
Classification: Uncertain significance for Tuberous sclerosis 1. Last evaluated: 2021-09-15. Review status: criteria provided, single submitter. Criteria: Invitae Variant Classification Sherloc (09022015). Collection method: clinical testing. Allele origin: germline.
Comment: This variant is not present in population databases (ExAC no frequency). This variant has not been reported in the literature in individuals affected with TSC1-related conditions. Algorithms developed to predict the effect of missense changes on protein structure and function are either unavailable or do not agree on the potential impact of this missense change (SIFT: "Deleterious"; PolyPhen-2: "Probably Damaging"; Align-GVGD: "Class C0"). In summary, the available evidence is currently insufficient to determine the role of this variant in disease. Therefore, it has been classified as a Variant of Uncertain Significance. This sequence change replaces aspartic acid with glutamic acid at codon 254 of the TSC1 protein (p.Asp254Glu). The aspartic acid residue is highly conserved and there is a small physicochemical difference between aspartic acid and glutamic acid.

NM_000368.5(TSC1):c.762T>A (p.Asp254Glu)

Gene: TSC1 (TSC complex subunit 1; minus strand). Cytogenetic location: 9q34.13.
Variant type: single nucleotide variant.
Coding change: c.762T>A on transcript NM_000368.5 (MANE Select); coding-DNA position 762, T replaced by A.
Protein change: p.Asp254Glu; replaces aspartic acid 254 with glutamic acid.
Molecular consequence: missense variant.
Genome position (GRCh38, 1-based): chr9:132,912,433, A>T on the plus strand (T>A on the coding strand, the complement: TSC1 is on the minus strand). VCF-style: chr9-132912433-A-T. GRCh37 (hg19) VCF-style: chr9-135787820-A-T.
Other names: c.762T>A, p.Asp254Glu (NM_001162426.2); c.609T>A, p.Asp203Glu (NM_001162427.2); c.399T>A, p.Asp133Glu (NM_001362177.2); short protein forms D254E, D133E, D203E.
Identifiers: ClinVar variation 1438307 (VCV001438307.6), dbSNP rs780005416, ClinGen allele CA375369637.